The following is an entry in ClinVar:

NM_001009185.3(ACSL6):c.456C>T (p.Ala152=)

Gene: ACSL6 (acyl-CoA synthetase long chain family member 6; minus strand). Cytogenetic location: 5q31.1.
Variant type: single nucleotide variant.
Coding change: c.456C>T on transcript NM_001009185.3 (MANE Select); coding-DNA position 456, C replaced by T.
Protein change: p.Ala152=; no amino-acid change (alanine 152 retained).
Molecular consequence: synonymous variant. On other transcripts: non-coding transcript variant (3).
Genome position (GRCh38, 1-based): chr5:131,989,503, G>A on the plus strand (C>T on the coding strand, the complement: ACSL6 is on the minus strand). VCF-style: chr5-131989503-G-A. GRCh37 (hg19) VCF-style: chr5-131325196-G-A.
Other names: c.351C>T, p.Ala117= (NM_001205247.2, NM_001405485.1, NM_001405486.1); c.381C>T, p.Ala127= (NM_001205248.2, NM_001405479.1, NM_001405480.1 and 4 more transcripts); c.414C>T, p.Ala138= (NM_001205250.1, NM_001405478.1); c.276C>T, p.Ala92= (NM_001205251.2, NM_001405487.1, NM_001405488.1 and 2 more transcripts); c.450C>T, p.Ala150= (NM_001405475.1); c.426C>T, p.Ala142= (NM_001405476.1); c.456C>T, p.Ala152= (NM_001405477.1, NM_015256.4).
Identifiers: ClinVar variation 3035062 (VCV003035062.2), dbSNP rs143653785, ClinGen allele CA3401727.

ClinVar aggregate classification (germline): Likely benign (0 of 4 stars; one submission).

Conditions:
ACSL6-related disorder. Also called: ACSL6-related condition.

Allele frequency attached by ClinVar (database versions not stated): gnomAD exomes 0.00012; ExAC 0.00031; ESP Exome Variant Server 0.00054; 1000 Genomes Project 30x 0.00078; 1000 Genomes Project 0.00080; gnomAD 0.00089; TOPMed 0.00108.
gnomAD v4.1: 311 of 1,612,452 alleles (0.019%); highest among the groups gnomAD compares: African/African-American, 0.31%; no homozygotes.

Submission:

PreventionGenetics, part of Exact Sciences
Classification: Likely benign for ACSL6-related condition. Last evaluated: 2019-12-05. Review status: no assertion criteria provided. Collection method: clinical testing. Allele origin: germline.
Comment: This variant is classified as likely benign based on ACMG/AMP sequence variant interpretation guidelines (Richards et al. 2015 PMID: 25741868, with internal and published modifications).